The following is an entry in ClinVar:

NM_000400.4(ERCC2):c.1862T>G (p.Phe621Cys)

Gene: ERCC2 (ERCC excision repair 2, TFIIH core complex helicase subunit; minus strand). Cytogenetic location: 19q13.32.
Variant type: single nucleotide variant.
Coding change: c.1862T>G on transcript NM_000400.4 (MANE Select); coding-DNA position 1862, T replaced by G.
Protein change: p.Phe621Cys; replaces phenylalanine 621 with cysteine.
Molecular consequence: missense variant.
Genome position (GRCh38, 1-based): chr19:45,352,786, A>C on the plus strand (T>G on the coding strand, the complement: ERCC2 is on the minus strand). VCF-style: chr19-45352786-A-C. GRCh37 (hg19) VCF-style: chr19-45856044-A-C.
Other names: short protein forms F621C.
Identifiers: ClinVar variation 2566695 (VCV002566695.2), dbSNP rs2514000222, ClinGen allele CA406363834.
Genomic context (GRCh38, chr19:45,352,786, plus strand): 5'-TGGGAGACAGAGCTACTCACCTTGAGAATGCGGCTCTGTGTGTAGACGTAGGGGACGCCA[A>C]ACATGATGACGGCCCGCCCGTAGTGGTGCACTGGTGGGCAGAGGAGAGGGGGCGAGGGGG-3'
Protein context (NP_000391.1, residues 611-631): VHHYGRAVIM[Phe621Cys]GVPYVYTQSR

ClinVar aggregate classification (germline): Uncertain significance (1 of 4 stars; one submission).

Conditions:
Inborn genetic diseases. Identifiers: MedGen C0950123, MeSH D030342.

Allele frequency attached by ClinVar (database versions not stated): gnomAD exomes below 0.00001.
gnomAD v4.1: 1 of 1,611,114 alleles (0.000062%); highest among the groups gnomAD compares: South Asian, 0.0011%; no homozygotes.

Submission:

Ambry Genetics
Classification: Uncertain significance for Inborn genetic diseases. Last evaluated: 2023-05-04. Review status: criteria provided, single submitter. Criteria: Ambry Variant Classification Scheme 2023. Collection method: clinical testing. Allele origin: germline.
Comment: The p.F621C variant (also known as c.1862T>G), located in coding exon 20 of the ERCC2 gene, results from a T to G substitution at nucleotide position 1862. The phenylalanine at codon 621 is replaced by cysteine, an amino acid with highly dissimilar properties. This amino acid position is conserved. In addition, this alteration is predicted to be deleterious by in silico analysis. Since supporting evidence is limited at this time, the clinical significance of this alteration remains unclear.